The following is an entry in ClinVar:

ClinVar aggregate classification (germline): Uncertain significance (1 of 4 stars; one submission).

Allele frequency attached by ClinVar (database versions not stated): TOPMed below 0.00001.

Submission:

Labcorp Genetics (formerly Invitae), Labcorp
Classification: Uncertain significance. Last evaluated: 2021-03-12. Review status: criteria provided, single submitter. Criteria: Invitae Variant Classification Sherloc (09022015). Collection method: clinical testing. Allele origin: germline.
Comment: In summary, the available evidence is currently insufficient to determine the role of this variant in disease. Therefore, it has been classified as a Variant of Uncertain Significance. Algorithms developed to predict the effect of missense changes on protein structure and function are either unavailable or do not agree on the potential impact of this missense change (SIFT: "Tolerated"; PolyPhen-2: "Possibly Damaging"; Align-GVGD: "Class C0"). This variant has not been reported in the literature in individuals with TRAF3IP1-related conditions. This variant is not present in population databases (ExAC no frequency). This sequence change replaces glutamic acid with lysine at codon 327 of the TRAF3IP1 protein (p.Glu327Lys). The glutamic acid residue is weakly conserved and there is a small physicochemical difference between glutamic acid and lysine.

NM_015650.4(TRAF3IP1):c.979G>A (p.Glu327Lys)

Gene: TRAF3IP1 (TRAF3 interacting protein 1; plus strand). Cytogenetic location: 2q37.3.
Variant type: single nucleotide variant.
Coding change: c.979G>A on transcript NM_015650.4 (MANE Select); coding-DNA position 979, G replaced by A.
Protein change: p.Glu327Lys; replaces glutamic acid 327 with lysine.
Molecular consequence: missense variant.
Genome position (GRCh38, 1-based): chr2:238,332,887, G>A. VCF-style: chr2-238332887-G-A. GRCh37 (hg19) VCF-style: chr2-239241528-G-A.
Other names: c.979G>A, p.Glu327Lys (NM_001139490.1); short protein forms E327K.
Identifiers: ClinVar variation 1403324 (VCV001403324.8), dbSNP rs1444477348, ClinGen allele CA351248174.